The following is an entry in ClinVar:

NM_001080467.3(MYO5B):c.2998A>G (p.Lys1000Glu)

Gene: MYO5B (myosin VB; minus strand). Cytogenetic location: 18q21.1.
Variant type: single nucleotide variant.
Coding change: c.2998A>G on transcript NM_001080467.3 (MANE Select); coding-DNA position 2998, A replaced by G.
Protein change: p.Lys1000Glu; replaces lysine 1000 with glutamic acid.
Molecular consequence: missense variant.
Genome position (GRCh38, 1-based): chr18:49,894,988, T>C on the plus strand (A>G on the coding strand, the complement: MYO5B is on the minus strand). VCF-style: chr18-49894988-T-C. GRCh37 (hg19) VCF-style: chr18-47421358-T-C.
Other names: short protein forms K1000E.
Identifiers: ClinVar variation 1981846 (VCV001981846.4), dbSNP rs745645137, ClinGen allele CA8960880.

ClinVar aggregate classification (germline): Uncertain significance (1 of 4 stars; one submission).

Allele frequency attached by ClinVar (database versions not stated): ExAC 0.00001; gnomAD exomes 0.00001; TOPMed 0.00004.
gnomAD v4.1: 21 of 1,613,672 alleles (0.0013%); highest among the groups gnomAD compares: Non-Finnish European, 0.0018%; no homozygotes.

Submission:

Labcorp Genetics (formerly Invitae), Labcorp
Classification: Uncertain significance. Last evaluated: 2022-03-04. Review status: criteria provided, single submitter. Criteria: Invitae Variant Classification Sherloc (09022015). Collection method: clinical testing. Allele origin: germline.
Comment: This variant has not been reported in the literature in individuals affected with MYO5B-related conditions. This sequence change replaces lysine, which is basic and polar, with glutamic acid, which is acidic and polar, at codon 1000 of the MYO5B protein (p.Lys1000Glu). This variant is present in population databases (rs745645137, gnomAD 0.004%). Algorithms developed to predict the effect of missense changes on protein structure and function are either unavailable or do not agree on the potential impact of this missense change (SIFT: "Deleterious"; PolyPhen-2: "Benign"; Align-GVGD: "Class C0"). In summary, the available evidence is currently insufficient to determine the role of this variant in disease. Therefore, it has been classified as a Variant of Uncertain Significance.